The following is an entry in ClinVar:

NM_004446.3(EPRS1):c.619A>T (p.Ser207Cys)

Gene: EPRS1 (glutamyl-prolyl-tRNA synthetase 1; minus strand). Cytogenetic location: 1q41.
Variant type: single nucleotide variant.
Coding change: c.619A>T on transcript NM_004446.3 (MANE Select); coding-DNA position 619, A replaced by T.
Protein change: p.Ser207Cys; replaces serine 207 with cysteine.
Molecular consequence: missense variant.
Genome position (GRCh38, 1-based): chr1:220,030,390, T>A on the plus strand (A>T on the coding strand, the complement: EPRS1 is on the minus strand). VCF-style: chr1-220030390-T-A. GRCh37 (hg19) VCF-style: chr1-220203732-T-A.
Other names: short protein forms S207C.
Identifiers: ClinVar variation 2664967 (VCV002664967.2), dbSNP rs2528041818, ClinGen allele CA344636100.

ClinVar aggregate classification (germline): Uncertain significance (1 of 4 stars; one submission).

Conditions:
Leukodystrophy, hypomyelinating, 15. Identifiers: MedGen C4693733, MONDO:0054782, OMIM 617951.

Submission:

Institute of Human Genetics, University of Leipzig Medical Center
Classification: Uncertain significance for Leukodystrophy, hypomyelinating, 15. Last evaluated: 2023-11-06. Review status: criteria provided, single submitter. Criteria: ACMG Guidelines, 2015. Collection method: clinical testing. Allele origin: maternal. Inheritance: Autosomal recessive inheritance. Affected: yes.
Comment: Criteria applied: PM2_SUP,PP3